The following is an entry in ClinVar:

NM_020347.4(LZTFL1):c.155A>T (p.Asp52Val)

Gene: LZTFL1 (leucine zipper transcription factor like 1; minus strand). Cytogenetic location: 3p21.31.
Variant type: single nucleotide variant.
Coding change: c.155A>T on transcript NM_020347.4 (MANE Select); coding-DNA position 155, A replaced by T.
Protein change: p.Asp52Val; replaces aspartic acid 52 with valine.
Molecular consequence: missense variant. On other transcripts: non-coding transcript variant (1).
Genome position (GRCh38, 1-based): chr3:45,835,758, T>A on the plus strand (A>T on the coding strand, the complement: LZTFL1 is on the minus strand). VCF-style: chr3-45835758-T-A. GRCh37 (hg19) VCF-style: chr3-45877250-T-A.
Other names: c.104A>T, p.Asp35Val (NM_001276378.2, NM_001386451.1); c.143A>T, p.Asp48Val (NM_001276379.2); c.155A>T, p.Asp52Val (NM_001386452.1); c.155A>T (NM_020347.3); short protein forms D35V, D48V, D52V.
Identifiers: ClinVar variation 1373766 (VCV001373766.7), dbSNP rs1321243312, ClinGen allele CA352454396.

ClinVar aggregate classification (germline): Uncertain significance. Review status: criteria provided, multiple submitters, no conflicts (2 of 4 stars). 2 submissions from 2 submitters: Uncertain significance (2). Last evaluated 2025-11-17.

Conditions:
LZTFL1-related disorder. Also called: LZTFL1-related condition.

Allele frequency attached by ClinVar (database versions not stated): gnomAD exomes below 0.00001; TOPMed 0.00003.
gnomAD v4.1: 2 of 1,613,508 alleles (0.00012%); highest among the groups gnomAD compares: Admixed American, 0.0033%; no homozygotes.

Submissions (2):

PreventionGenetics, part of Exact Sciences
Classification: Uncertain significance for LZTFL1-related condition. Last evaluated: 2025-11-17. Review status: criteria provided, single submitter. Criteria: ACMG Guidelines, 2015. Collection method: clinical testing. Allele origin: germline.
Comment: The LZTFL1 c.155A>T variant is predicted to result in the amino acid substitution p.Asp52Val. To our knowledge, this variant has not been reported in the literature. This variant is reported in 0.0029% of alleles in individuals of Latino descent in gnomAD. At this time, the clinical significance of this variant is uncertain due to the absence of conclusive functional and genetic evidence.

Labcorp Genetics (formerly Invitae), Labcorp
Classification: Uncertain significance. Last evaluated: 2024-11-05. Review status: criteria provided, single submitter. Criteria: Invitae Variant Classification Sherloc (09022015). Collection method: clinical testing. Allele origin: germline.
Comment: This sequence change replaces aspartic acid, which is acidic and polar, with valine, which is neutral and non-polar, at codon 52 of the LZTFL1 protein (p.Asp52Val). This variant is present in population databases (no rsID available, gnomAD 0.003%). This variant has not been reported in the literature in individuals affected with LZTFL1-related conditions. ClinVar contains an entry for this variant (Variation ID: 1373766). Invitae Evidence Modeling of protein sequence and biophysical properties (such as structural, functional, and spatial information, amino acid conservation, physicochemical variation, residue mobility, and thermodynamic stability) indicates that this missense variant is not expected to disrupt LZTFL1 protein function with a negative predictive value of 80%. In summary, the available evidence is currently insufficient to determine the role of this variant in disease. Therefore, it has been classified as a Variant of Uncertain Significance.